The following is an entry in ClinVar:

NM_052845.4(MMAB):c.370G>A (p.Val124Ile)

Gene: MMAB (metabolism of cobalamin associated B; minus strand). Cytogenetic location: 12q24.11.
Variant type: single nucleotide variant.
Coding change: c.370G>A on transcript NM_052845.4 (MANE Select); coding-DNA position 370, G replaced by A.
Protein change: p.Val124Ile; replaces valine 124 with isoleucine.
Molecular consequence: missense variant. On other transcripts: non-coding transcript variant (1).
Genome position (GRCh38, 1-based): chr12:109,561,831, C>T on the plus strand (G>A on the coding strand, the complement: MMAB is on the minus strand). VCF-style: chr12-109561831-C-T. GRCh37 (hg19) VCF-style: chr12-109999636-C-T.
Other names: short protein forms V124I.
Identifiers: ClinVar variation 859134 (VCV000859134.4), dbSNP rs573706523, ClinGen allele CA6778932.
Genomic context (GRCh38, chr12:109,561,831, plus strand): 5'-GAGAATTACTTAAGTGAGCCTCCCGGGCCGAGGAGCATGGTGTCGCCAGGGCCGAGCCGA[C>T]GTCCTGCAATGTGCACTGGATCTGGGGGGCGACAGAAAGTGACAGTCAAGATCTATGTGA-3'
Protein context (NP_443077.1, residues 114-134): LQKIQCTLQD[Val124Ile]GSALATPCSS

ClinVar aggregate classification (germline): Uncertain significance. Review status: criteria provided, single submitter (1 of 4 stars). 2 submissions from 2 submitters: Uncertain significance (1). 1 of the submissions does not count toward it. Last evaluated 2021-09-01.

Conditions:
Methylmalonic aciduria, cblB type (MACB). Also called: METHYLMALONIC ACIDURIA, VITAMIN B12-RESPONSIVE, DUE TO DEFECT IN SYNTHESIS OF ADENOSYLCOBALAMIN, cblB TYPE; Vitamin B12-responsive methylmalonic acidemia type cblB; Methylmalonic acidemia cblB type. Identifiers: Orphanet 28, Orphanet 79311, MedGen C1855102, MONDO:0009614, OMIM 251110.

Allele frequency attached by ClinVar (database versions not stated): gnomAD exomes 0.00002 and 0.00003; gnomAD 0.00003; TOPMed 0.00005; ExAC 0.00006.
gnomAD v4.1: 37 of 1,607,904 alleles (0.0023%); highest among the groups gnomAD compares: African/African-American, 0.0027%; no homozygotes.

Submissions (2):

Labcorp Genetics (formerly Invitae), Labcorp
Classification: Uncertain significance for Methylmalonic aciduria, cblB type. Last evaluated: 2021-09-01. Review status: criteria provided, single submitter. Criteria: Invitae Variant Classification Sherloc (09022015). Collection method: clinical testing. Allele origin: germline.
Comment: This sequence change replaces valine with isoleucine at codon 124 of the MMAB protein (p.Val124Ile). The valine residue is moderately conserved and there is a small physicochemical difference between valine and isoleucine. This variant is present in population databases (rs573706523, ExAC 0.03%). This variant has not been reported in the literature in individuals affected with MMAB-related conditions. Algorithms developed to predict the effect of missense changes on protein structure and function output the following: SIFT: "Tolerated"; PolyPhen-2: "Benign"; Align-GVGD: "Class C0". The isoleucine amino acid residue is found in multiple mammalian species, which suggests that this missense change does not adversely affect protein function. In summary, the available evidence is currently insufficient to determine the role of this variant in disease. Therefore, it has been classified as a Variant of Uncertain Significance.

Natera, Inc.
Classification: Uncertain significance for Methylmalonic aciduria cblB type. Last evaluated: 2020-02-13. Review status: no assertion criteria provided. Collection method: clinical testing. Allele origin: germline. Not counted in ClinVar's aggregate classification.